The following is an entry in ClinVar:

ClinVar aggregate classification (germline): Uncertain significance (1 of 4 stars; one submission).

Allele frequency attached by ClinVar (database versions not stated): gnomAD exomes below 0.00001.
gnomAD v4.1: 1 of 1,606,412 alleles (0.000062%); highest among the groups gnomAD compares: Non-Finnish European, 0.000085%; no homozygotes.

Submission:

Ambry Genetics
Classification: Uncertain significance. Last evaluated: 2022-11-30. Review status: criteria provided, single submitter. Criteria: Ambry Variant Classification Scheme 2023. Collection method: clinical testing. Allele origin: germline.
Comment: The p.V132I variant (also known as c.394G>A), located in coding exon 2 of the MNDA gene, results from a G to A substitution at nucleotide position 394. The valine at codon 132 is replaced by isoleucine, an amino acid with highly similar properties. This amino acid position is conserved. In addition, this alteration is predicted to be tolerated by in silico analysis. Since supporting evidence is limited at this time, the clinical significance of this alteration remains unclear.

NM_002432.3(MNDA):c.394G>A (p.Val132Ile)

Gene: MNDA (myeloid cell nuclear differentiation antigen; plus strand). Cytogenetic location: 1q23.1.
Variant type: single nucleotide variant.
Coding change: c.394G>A on transcript NM_002432.3 (MANE Select); coding-DNA position 394, G replaced by A.
Protein change: p.Val132Ile; replaces valine 132 with isoleucine.
Molecular consequence: missense variant.
Genome position (GRCh38, 1-based): chr1:158,843,407, G>A. VCF-style: chr1-158843407-G-A. GRCh37 (hg19) VCF-style: chr1-158813197-G-A.
Other names: short protein forms V132I.
Identifiers: ClinVar variation 2448162 (VCV002448162.2), dbSNP rs2526079449, ClinGen allele CA343038883.